The following is an entry in ClinVar:

ClinVar aggregate classification (germline): Uncertain significance. Review status: criteria provided, multiple submitters, no conflicts (2 of 4 stars). 2 submissions from 2 submitters: Uncertain significance (2). Last evaluated 2022-09-07.

Conditions:
Inborn genetic diseases. Identifiers: MedGen C0950123, MeSH D030342.

gnomAD v4.1: 62 of 1,613,760 alleles (0.0038%); highest among the groups gnomAD compares: East Asian, 0.011%; no homozygotes.

Submissions (2):

Labcorp Genetics (formerly Invitae), Labcorp
Classification: Uncertain significance. Last evaluated: 2022-09-07. Review status: criteria provided, single submitter. Criteria: Invitae Variant Classification Sherloc (09022015). Collection method: clinical testing. Allele origin: germline.
Comment: In summary, the available evidence is currently insufficient to determine the role of this variant in disease. Therefore, it has been classified as a Variant of Uncertain Significance. Algorithms developed to predict the effect of missense changes on protein structure and function (SIFT, PolyPhen-2, Align-GVGD) all suggest that this variant is likely to be tolerated. This variant has not been reported in the literature in individuals affected with GRM1-related conditions. This variant is present in population databases (rs146753539, gnomAD 0.007%). This sequence change replaces proline, which is neutral and non-polar, with serine, which is neutral and polar, at codon 1072 of the GRM1 protein (p.Pro1072Ser).

Ambry Genetics
Classification: Uncertain significance for Inborn genetic diseases. Last evaluated: 2022-08-24. Review status: criteria provided, single submitter. Criteria: Ambry Variant Classification Scheme 2023. Collection method: clinical testing. Allele origin: germline.

NM_001278064.2(GRM1):c.3214C>T (p.Pro1072Ser)

Gene: GRM1 (glutamate metabotropic receptor 1; plus strand). Cytogenetic location: 6q24.3.
Variant type: single nucleotide variant.
Coding change: c.3214C>T on transcript NM_001278064.2 (MANE Select); coding-DNA position 3214, C replaced by T.
Protein change: p.Pro1072Ser; replaces proline 1072 with serine.
Molecular consequence: missense variant. On other transcripts: 3 prime UTR variant (3).
Genome position (GRCh38, 1-based): chr6:146,434,425, C>T. VCF-style: chr6-146434425-C-T. GRCh37 (hg19) VCF-style: chr6-146755561-C-T.
Other names: NM_000838.3:c.3214C>T; c.*578C>T (NM_001278065.2); c.*543C>T (NM_001278066.1); c.*452C>T (NM_001278067.1); short protein forms P1072S.
Identifiers: ClinVar variation 2070611 (VCV002070611.5), dbSNP rs146753539, ClinGen allele CA4037655.
Genomic context (GRCh38, chr6:146,434,425, plus strand): 5'-CTGGCAGGCCCCGGTGGTCCCGGGAACGGGCTGCGGTCCCTGTACCCGCCCCCGCCACCT[C>T]CGCAGCACCTGCAGATGCTGCCGCTGCAGCTGAGCACCTTTGGGGAGGAGCTGGTCTCCC-3'
Protein context (NP_001264993.1, residues 1062-1082): LRSLYPPPPP[Pro1072Ser]QHLQMLPLQL